The following is an entry in ClinVar:

ClinVar aggregate classification (germline): Pathogenic (1 of 4 stars; one submission).

Conditions:
Glucose-6-phosphate transport defect (GSD1B). Also called: GSD Ib; Glycogen Storage Disease Type Ib. Identifiers: Orphanet 364, Orphanet 79259, MedGen C0268146, MONDO:0009288, OMIM 232220.

Allele frequency attached by ClinVar (database versions not stated): gnomAD exomes below 0.00001; TOPMed below 0.00001; gnomAD 0.00001.

Submission:

Labcorp Genetics (formerly Invitae), Labcorp
Classification: Pathogenic for Glucose-6-phosphate transport defect. Last evaluated: 2023-05-19. Review status: criteria provided, single submitter. Criteria: Invitae Variant Classification Sherloc (09022015). Collection method: clinical testing. Allele origin: germline.
Comment: For these reasons, this variant has been classified as Pathogenic. Algorithms developed to predict the effect of sequence changes on RNA splicing suggest that this variant may create or strengthen a splice site. This premature translational stop signal has been observed in individual(s) with glycogen storage disease (PMID: 32772503). This variant is not present in population databases (gnomAD no frequency). This sequence change creates a premature translational stop signal (p.Trp227*) in the SLC37A4 gene. It is expected to result in an absent or disrupted protein product. Loss-of-function variants in SLC37A4 are known to be pathogenic (PMID: 9758626, 10940311).

Literature cited by the submitters: PubMed 32772503; PubMed 9758626; PubMed 10940311.

NM_001164277.2(SLC37A4):c.680G>A (p.Trp227Ter)

Gene: SLC37A4 (solute carrier family 37 member 4; minus strand). Cytogenetic location: 11q23.3.
Variant type: single nucleotide variant.
Coding change: c.680G>A on transcript NM_001164277.2 (MANE Select); coding-DNA position 680, G replaced by A.
Protein change: p.Trp227Ter; replaces tryptophan 227 with a stop codon.
Molecular consequence: nonsense.
Genome position (GRCh38, 1-based): chr11:119,027,041, C>T on the plus strand (G>A on the coding strand, the complement: SLC37A4 is on the minus strand). VCF-style: chr11-119027041-C-T. GRCh37 (hg19) VCF-style: chr11-118897751-C-T.
Other names: c.680G>A, p.Trp227Ter (NM_001164278.2, NM_001164280.2, NM_001467.6); c.461G>A, p.Trp154Ter (NM_001164279.2); short protein forms W154*, W227*.
Identifiers: ClinVar variation 2761952 (VCV002761952.3), dbSNP rs1555191101, ClinGen allele CA382901461.